The following is an entry in ClinVar:

NM_014915.3(ANKRD26):c.3483G>T (p.Glu1161Asp)

Gene: ANKRD26 (ankyrin repeat domain 26; minus strand). Cytogenetic location: 10p12.1.
Variant type: single nucleotide variant.
Coding change: c.3483G>T on transcript NM_014915.3 (MANE Select); coding-DNA position 3483, G replaced by T.
Protein change: p.Glu1161Asp; replaces glutamic acid 1161 with aspartic acid.
Molecular consequence: missense variant.
Genome position (GRCh38, 1-based): chr10:27,034,967, C>A on the plus strand (G>T on the coding strand, the complement: ANKRD26 is on the minus strand). VCF-style: chr10-27034967-C-A. GRCh37 (hg19) VCF-style: chr10-27323896-C-A.
Other names: c.3480G>T, p.Glu1160Asp (NM_001256053.2); short protein forms E1160D, E1161D.
Identifiers: ClinVar variation 4858988 (VCV004858988.1).

ClinVar aggregate classification (germline): Uncertain significance (1 of 4 stars; one submission).

Conditions:
Inborn genetic diseases. Identifiers: MedGen C0950123, MeSH D030342.

Submission:

Ambry Genetics
Classification: Uncertain significance for Inborn genetic diseases. Last evaluated: 2026-05-19. Review status: criteria provided, single submitter. Criteria: Ambry Variant Classification Scheme 2023. Collection method: clinical testing. Allele origin: germline.
Comment: The p.E1161D variant (also known as c.3483G>T), located in coding exon 24 of the ANKRD26 gene, results from a G to T substitution at nucleotide position 3483. The glutamic acid at codon 1161 is replaced by aspartic acid, an amino acid with highly similar properties. This amino acid position is conserved. In addition, this alteration is predicted to be tolerated by in silico analysis. Based on the available evidence, the clinical significance of this variant remains unclear.